The following is an entry in ClinVar:

NM_001277115.2(DNAH11):c.13313G>C (p.Trp4438Ser)

Genes: CDCA7L (cell division cycle associated 7 like; minus strand), DNAH11 (dynein axonemal heavy chain 11; plus strand). Cytogenetic location: 7p15.3.
Variant type: single nucleotide variant.
Coding change: c.13313G>C on transcript NM_001277115.2 (MANE Select); coding-DNA position 13313, G replaced by C.
Protein change: p.Trp4438Ser; replaces tryptophan 4438 with serine.
Molecular consequence: missense variant. On other transcripts: 3 prime UTR variant (3).
Genome position (GRCh38, 1-based): chr7:21,901,016, G>C. VCF-style: chr7-21901016-G-C. GRCh37 (hg19) VCF-style: chr7-21940634-G-C.
Other names: c.*1306C>G (NM_001127370.3, NM_001127371.3, NM_018719.5); short protein forms W4438S.
Identifiers: ClinVar variation 4990945 (VCV004990945.1).

ClinVar aggregate classification (germline): Uncertain significance (1 of 4 stars; one submission).

Conditions:
DNAH11-related disorder. Also called: DNAH11-related condition.

Submission:

PreventionGenetics, part of Exact Sciences
Classification: Uncertain significance for DNAH11-related condition. Last evaluated: 2026-03-09. Review status: criteria provided, single submitter. Criteria: ACMG Guidelines, 2015. Collection method: clinical testing. Allele origin: germline.
Comment: The DNAH11 c.13313G>C variant is predicted to result in the amino acid substitution p.Trp4438Ser. To our knowledge, this variant has not been reported in the literature or in a large population database (gnomAD), indicating this variant is rare. At this time, the clinical significance of this variant is uncertain due to the absence of conclusive functional and genetic evidence.